The following is an entry in ClinVar:

NM_198576.4(AGRN):c.5332G>A (p.Ala1778Thr)

Gene: AGRN (agrin; plus strand). Cytogenetic location: 1p36.33.
Variant type: single nucleotide variant.
Coding change: c.5332G>A on transcript NM_198576.4 (MANE Select); coding-DNA position 5332, G replaced by A.
Protein change: p.Ala1778Thr; replaces alanine 1778 with threonine.
Molecular consequence: missense variant.
Genome position (GRCh38, 1-based): chr1:1,051,331, G>A. VCF-style: chr1-1051331-G-A. GRCh37 (hg19) VCF-style: chr1-986711-G-A.
Other names: c.5344G>A, p.Ala1782Thr (NM_001305275.2); c.5029G>A, p.Ala1677Thr (NM_001364727.2); short protein forms A1778T, A1782T, A1677T.
Identifiers: ClinVar variation 474150 (VCV000474150.10), dbSNP rs538792693, ClinGen allele CA509987.

ClinVar aggregate classification (germline): Uncertain significance. Review status: criteria provided, multiple submitters, no conflicts (2 of 4 stars). 3 submissions from 3 submitters: Uncertain significance (3). Last evaluated 2023-10-10.

Conditions:
Congenital myasthenic syndrome 8. Also called: MYASTHENIC SYNDROME, CONGENITAL, DUE TO AGRIN DEFICIENCY; Myasthenic syndrome, congenital, 8, with pre- and postsynaptic defects. Identifiers: Orphanet 590, MedGen C3808739, MONDO:0014052, OMIM 615120.

Allele frequency attached by ClinVar (database versions not stated): gnomAD below 0.00001 and 0.00008; TOPMed 0.00001; gnomAD exomes 0.00012 and 0.00026; 1000 Genomes Project 0.00020; 1000 Genomes Project 30x 0.00031; ExAC 0.00060.
gnomAD v4.1: 177 of 1,568,640 alleles (0.011%); highest among the groups gnomAD compares: South Asian, 0.2%; 1 homozygote.

Submissions (3):

Women's Health and Genetics/Laboratory Corporation of America, LabCorp
Classification: Uncertain significance. Last evaluated: 2023-10-10. Review status: criteria provided, single submitter. Criteria: LabCorp Variant Classification Summary - May 2015. Collection method: clinical testing. Allele origin: germline.
Comment: Variant summary: AGRN c.5332G>A (p.Ala1778Thr) results in a non-conservative amino acid change located in the Laminin G domain (IPR001791) of the encoded protein sequence. Four of five in-silico tools predict a damaging effect of the variant on protein function. The variant allele was found at a frequency of 0.00026 in 175366 control chromosomes in the gnomAD database, including 1 homozygote. To our knowledge, no occurrence of c.5332G>A in individuals affected with Congenital Myasthenic Syndrome-8 and no experimental evidence demonstrating its impact on protein function have been reported. One submitter has cited a clinical-significance assessment for this variant to ClinVar after 2014 and has classified the variant as uncertain significance. Based on the evidence outlined above, the variant was classified as uncertain significance.

Revvity Omics, Revvity
Classification: Uncertain significance for Congenital myasthenic syndrome 8. Last evaluated: 2023-07-04. Review status: criteria provided, single submitter. Criteria: ACMG Guidelines, 2015. Collection method: clinical testing. Allele origin: germline.

Labcorp Genetics (formerly Invitae), Labcorp
Classification: Uncertain significance for Congenital myasthenic syndrome 8. Last evaluated: 2022-09-26. Review status: criteria provided, single submitter. Criteria: Invitae Variant Classification Sherloc (09022015). Collection method: clinical testing. Allele origin: germline.
Comment: This sequence change replaces alanine, which is neutral and non-polar, with threonine, which is neutral and polar, at codon 1778 of the AGRN protein (p.Ala1778Thr). This variant is present in population databases (rs538792693, gnomAD 0.2%). This variant has not been reported in the literature in individuals affected with AGRN-related conditions. ClinVar contains an entry for this variant (Variation ID: 474150). Algorithms developed to predict the effect of missense changes on protein structure and function are either unavailable or do not agree on the potential impact of this missense change (SIFT: "Deleterious"; PolyPhen-2: "Probably Damaging"; Align-GVGD: "Class C0"). In summary, the available evidence is currently insufficient to determine the role of this variant in disease. Therefore, it has been classified as a Variant of Uncertain Significance.